The following is an entry in ClinVar:

NM_001563.4(IMPG1):c.106A>G (p.Ile36Val)

Gene: IMPG1 (interphotoreceptor matrix proteoglycan 1; minus strand). Cytogenetic location: 6q14.1.
Variant type: single nucleotide variant.
Coding change: c.106A>G on transcript NM_001563.4 (MANE Select); coding-DNA position 106, A replaced by G.
Protein change: p.Ile36Val; replaces isoleucine 36 with valine.
Molecular consequence: missense variant. On other transcripts: intron variant (1).
Genome position (GRCh38, 1-based): chr6:76,042,088, T>C on the plus strand (A>G on the coding strand, the complement: IMPG1 is on the minus strand). VCF-style: chr6-76042088-T-C. GRCh37 (hg19) VCF-style: chr6-76751805-T-C.
Other names: c.68-7301A>G (NM_001282368.2); short protein forms I36V.
Identifiers: ClinVar variation 1061244 (VCV001061244.8), dbSNP rs200103356, ClinGen allele CA3898641.

ClinVar aggregate classification (germline): Conflicting classifications of pathogenicity. Review status: criteria provided, conflicting classifications (1 of 4 stars). 2 submissions from 2 submitters: Uncertain significance (1); Likely benign (1). Last evaluated 2025-02-02.

Allele frequency attached by ClinVar (database versions not stated): gnomAD exomes 0.00001 and 0.00002; ExAC 0.00004; TOPMed 0.00007; ESP Exome Variant Server 0.00008; gnomAD 0.00009; 1000 Genomes Project 0.00020; 1000 Genomes Project 30x 0.00031.
gnomAD v4.1: 21 of 1,603,562 alleles (0.0013%); highest among the groups gnomAD compares: African/African-American, 0.025%; no homozygotes.

Submissions (2):

Labcorp Genetics (formerly Invitae), Labcorp
Classification: Uncertain significance. Last evaluated: 2025-02-02. Review status: criteria provided, single submitter. Criteria: Invitae Variant Classification Sherloc (09022015). Collection method: clinical testing. Allele origin: germline.
Comment: This sequence change replaces isoleucine, which is neutral and non-polar, with valine, which is neutral and non-polar, at codon 36 of the IMPG1 protein (p.Ile36Val). This variant is present in population databases (rs200103356, gnomAD 0.04%). This variant has not been reported in the literature in individuals affected with IMPG1-related conditions. ClinVar contains an entry for this variant (Variation ID: 1061244). An algorithm developed to predict the effect of missense changes on protein structure and function outputs the following: PolyPhen-2: "Benign". The valine amino acid residue is found in multiple mammalian species, which suggests that this missense change does not adversely affect protein function. In summary, the available evidence is currently insufficient to determine the role of this variant in disease. Therefore, it has been classified as a Variant of Uncertain Significance.

Blueprint Genetics
Classification: Likely benign. Last evaluated: 2022-02-01. Review status: criteria provided, single submitter. Criteria: ACMG Guidelines, 2015. Collection method: clinical testing. Allele origin: germline.